The following is an entry in ClinVar:

NM_025144.4(ALPK1):c.676G>C (p.Ala226Pro)

Gene: ALPK1 (alpha kinase 1; plus strand). Cytogenetic location: 4q25.
Variant type: single nucleotide variant.
Coding change: c.676G>C on transcript NM_025144.4 (MANE Select); coding-DNA position 676, G replaced by C.
Protein change: p.Ala226Pro; replaces alanine 226 with proline.
Molecular consequence: missense variant.
Genome position (GRCh38, 1-based): chr4:112,426,520, G>C. VCF-style: chr4-112426520-G-C. GRCh37 (hg19) VCF-style: chr4-113347676-G-C.
Other names: c.676G>C, p.Ala226Pro (NM_001102406.2); c.442G>C, p.Ala148Pro (NM_001253884.2); short protein forms A148P, A226P.
Identifiers: ClinVar variation 4772109 (VCV004772109.1).

ClinVar aggregate classification (germline): Uncertain significance (1 of 4 stars; one submission).

gnomAD v4.1: 3 of 1,582,192 alleles (0.00019%); highest among the groups gnomAD compares: African/African-American, 0.0028%; no homozygotes.

Submission:

Labcorp Genetics (formerly Invitae), Labcorp
Classification: Uncertain significance. Last evaluated: 2025-12-30. Review status: criteria provided, single submitter. Criteria: Invitae Variant Classification Sherloc (09022015). Collection method: clinical testing. Allele origin: germline.
Comment: This sequence change replaces alanine, which is neutral and non-polar, with proline, which is neutral and non-polar, at codon 226 of the ALPK1 protein (p.Ala226Pro). This variant is present in population databases (no rsID available, gnomAD 0.009%). This variant has not been reported in the literature in individuals affected with ALPK1-related conditions. Invitae Evidence Modeling of protein sequence and biophysical properties (such as structural, functional, and spatial information, amino acid conservation, physicochemical variation, residue mobility, and thermodynamic stability) indicates that this missense variant is not expected to disrupt ALPK1 protein function with a negative predictive value of 80%. In summary, the available evidence is currently insufficient to determine the role of this variant in disease. Therefore, it has been classified as a Variant of Uncertain Significance.